The following is an entry in ClinVar:

NM_001130438.3(SPTAN1):c.5244C>T (p.Asn1748=)

Gene: SPTAN1 (spectrin alpha, non-erythrocytic 1; plus strand). Cytogenetic location: 9q34.11.
Variant type: single nucleotide variant.
Coding change: c.5244C>T on transcript NM_001130438.3 (MANE Select); coding-DNA position 5244, C replaced by T.
Protein change: p.Asn1748=; no amino-acid change (asparagine 1748 retained).
Molecular consequence: synonymous variant.
Genome position (GRCh38, 1-based): chr9:128,615,727, C>T. VCF-style: chr9-128615727-C-T. GRCh37 (hg19) VCF-style: chr9-131378006-C-T.
Other names: c.5244C>T (NM_001130438.2); c.5169C>T, p.Asn1723= (NM_001195532.2); c.5244C>T, p.Asn1748= (NM_001363759.2, NM_001375310.1, NM_001375311.2 and 1 more transcripts); c.5184C>T, p.Asn1728= (NM_001363765.2, NM_001375314.2); c.5280C>T, p.Asn1760= (NM_001375312.2, NM_001375318.1); c.5229C>T, p.Asn1743= (NM_003127.4).
Identifiers: ClinVar variation 1152918 (VCV001152918.11), dbSNP rs747794736, ClinGen allele CA5265406.

ClinVar aggregate classification (germline): Likely benign. Review status: criteria provided, multiple submitters, no conflicts (2 of 4 stars). 2 submissions from 2 submitters: Likely benign (2). Last evaluated 2026-03-24.

Conditions:
SPTAN1-related disorder. Also called: SPTAN1-related disorders; SPTAN1-related condition.
Early-infantile DEE. Also called: Early infantile epileptic encephalopathy; Ohtahara syndrome; Early infantile epileptic encephalopathy with suppression bursts. Identifiers: Orphanet 1934, MedGen C0393706, MONDO:0800491.

Allele frequency attached by ClinVar (database versions not stated): gnomAD 0.00001; TOPMed 0.00001; ExAC 0.00002; gnomAD exomes 0.00002.
gnomAD v4.1: 26 of 1,614,110 alleles (0.0016%); highest among the groups gnomAD compares: South Asian, 0.021%; no homozygotes.

Submissions (2):

PreventionGenetics, part of Exact Sciences
Classification: Likely benign for SPTAN1-related condition. Last evaluated: 2026-03-24. Review status: criteria provided, single submitter. Criteria: ACMG Guidelines, 2015. Collection method: clinical testing. Allele origin: germline.
Comment: This variant is classified as likely benign based on ACMG/AMP sequence variant interpretation guidelines (Richards et al. 2015 PMID: 25741868, with internal and published modifications).

Labcorp Genetics (formerly Invitae), Labcorp
Classification: Likely benign for Early-infantile DEE. Last evaluated: 2024-04-01. Review status: criteria provided, single submitter. Criteria: Invitae Variant Classification Sherloc (09022015). Collection method: clinical testing. Allele origin: germline.